The following is an entry in ClinVar:

NM_000388.4(CASR):c.2843T>C (p.Leu948Pro)

Gene: CASR (calcium sensing receptor; plus strand). Cytogenetic location: 3q21.1.
Variant type: single nucleotide variant.
Coding change: c.2843T>C on transcript NM_000388.4 (MANE Select); coding-DNA position 2843, T replaced by C.
Protein change: p.Leu948Pro; replaces leucine 948 with proline.
Molecular consequence: missense variant.
Genome position (GRCh38, 1-based): chr3:122,284,797, T>C. VCF-style: chr3-122284797-T-C. GRCh37 (hg19) VCF-style: chr3-122003644-T-C.
Other names: c.2873T>C, p.Leu958Pro (NM_001178065.2); short protein forms L958P, L948P.
Identifiers: ClinVar variation 1418471 (VCV001418471.9), dbSNP rs750090767, ClinGen allele CA2569877.

ClinVar aggregate classification (germline): Uncertain significance. Review status: criteria provided, multiple submitters, no conflicts (2 of 4 stars). 3 submissions from 3 submitters: Uncertain significance (3). Last evaluated 2025-01-23.

Conditions:
Nephrolithiasis/nephrocalcinosis. Identifiers: MedGen CN580796.
Familial hypocalciuric hypercalcemia (FHH). Also called: Familial benign hypercalcemia. Identifiers: Orphanet 405, MedGen C1809471, MONDO:0018458.
Autosomal dominant hypocalcemia 1 (HYPOC1). Also called: HYPOCALCEMIA, FAMILIAL. Identifiers: MedGen C3715128, MONDO:0011013, OMIM 601198.

Allele frequency attached by ClinVar (database versions not stated): ExAC 0.00001; gnomAD exomes 0.00001.
gnomAD v4.1: 12 of 1,614,122 alleles (0.00074%); highest among the groups gnomAD compares: South Asian, 0.013%; no homozygotes.

Submissions (3):

Labcorp Genetics (formerly Invitae), Labcorp
Classification: Uncertain significance for Familial hypocalciuric hypercalcemia; Autosomal dominant hypocalcemia 1. Last evaluated: 2025-01-23. Review status: criteria provided, single submitter. Criteria: Invitae Variant Classification Sherloc (09022015). Collection method: clinical testing. Allele origin: germline.
Comment: This sequence change replaces leucine, which is neutral and non-polar, with proline, which is neutral and non-polar, at codon 948 of the CASR protein (p.Leu948Pro). This variant is present in population databases (rs750090767, gnomAD 0.01%). This variant has not been reported in the literature in individuals affected with CASR-related conditions. ClinVar contains an entry for this variant (Variation ID: 1418471). An algorithm developed to predict the effect of missense changes on protein structure and function (PolyPhen-2) suggests that this variant is likely to be tolerated. In summary, the available evidence is currently insufficient to determine the role of this variant in disease. Therefore, it has been classified as a Variant of Uncertain Significance.

Blueprint Genetics
Classification: Uncertain significance. Last evaluated: 2024-03-05. Review status: criteria provided, single submitter. Criteria: ACMG Guidelines, 2015. Collection method: clinical testing. Allele origin: germline.

Ambry Genetics
Classification: Uncertain significance for Nephrolithiasis/nephrocalcinosis. Last evaluated: 2022-07-19. Review status: criteria provided, single submitter. Criteria: Ambry Variant Classification Scheme 2023. Collection method: clinical testing. Allele origin: germline.
Comment: The p.L948P variant (also known as c.2843T>C), located in coding exon 6 of the CASR gene, results from a T to C substitution at nucleotide position 2843. The leucine at codon 948 is replaced by proline, an amino acid with similar properties. This amino acid position is not well conserved in available vertebrate species. In addition, this alteration is predicted to be tolerated by in silico analysis. Since supporting evidence is limited at this time, the clinical significance of this alteration remains unclear.